The following is an entry in ClinVar:

ClinVar aggregate classification (germline): Pathogenic. Review status: criteria provided, multiple submitters, no conflicts (2 of 4 stars). 2 submissions from 2 submitters: Pathogenic (2). Last evaluated 2025-03-04.

Conditions:
Breast-ovarian cancer, familial, susceptibility to, 1 (BROVCA1). Also called: BRCA1 Hereditary Breast and Ovarian Cancer; OVARIAN CANCER, SUSCEPTIBILITY TO. Identifiers: Orphanet 145, MedGen C2676676, MONDO:0011450, OMIM 604370. Disease mechanism: loss of function.

Submissions (2):

Center for Genomic Medicine, Rigshospitalet, Copenhagen University Hospital
Classification: Pathogenic. Last evaluated: 2025-03-04. Review status: criteria provided, single submitter. Criteria: ACMG Guidelines, 2015. Collection method: clinical testing. Allele origin: germline.

Myriad Genetics, Inc.
Classification: Pathogenic for Breast-ovarian cancer, familial, susceptibility to, 1. Last evaluated: 2024-07-24. Review status: criteria provided, single submitter. Criteria: Myriad Autosomal Dominant, Autosomal Recessive and X-Linked Classification Criteria (2023). Collection method: clinical testing. Allele origin: unknown.
Comment: This variant is considered pathogenic. This variant creates a frameshift predicted to result in premature protein truncation.

NM_007294.4(BRCA1):c.279del (p.Gln94fs)

Gene: BRCA1 (BRCA1 DNA repair associated; minus strand). Cytogenetic location: 17q21.31.
Variant type: Deletion.
Coding change: c.279del on transcript NM_007294.4 (MANE Select); coding-DNA position 279, one base deleted (T; older notation c.279delT).
Protein change: p.Gln94fs; shifts the reading frame from glutamine 94.
Molecular consequence: frameshift variant. On other transcripts: non-coding transcript variant (1).
Genome position (GRCh38, 1-based): chr17:43,104,890, A deleted on the plus strand (T on the coding strand, the reverse complement: BRCA1 is on the minus strand); the first of 4 consecutive A bases (chr17:43,104,890-43,104,893); deleting any one gives the same sequence. VCF-style (leftmost placement, unchanged base first): chr17-43104889-GA-G. GRCh37 (hg19) VCF-style: chr17-41256906-GA-G.
Other names: c.279delT (NM_007294.4); c.276delT, p.Gln94Serfs (NM_001407649.1, NM_001407652.1, NM_001407664.1 and 166 more transcripts); c.198delT, p.Gln68Serfs (NM_001407653.1, NM_001407654.1, NM_001407655.1 and 21 more transcripts); c.135delT, p.Gln47Serfs (NM_001407692.1, NM_001407694.1, NM_001407695.1 and 98 more transcripts); c.66delT, p.Gln24Serfs (NM_001407853.1, NM_001407879.1, NM_001407881.1 and 58 more transcripts); c.-106delT (NM_001407959.1, NM_001407960.1, NM_001407962.1 and 4 more transcripts); c.144delT, p.Gln50Serfs (NM_001408451.1); c.138del, p.Gln47fs (NM_007297.4); and 1 more; short protein forms Q47fs, Q94fs.
Identifiers: ClinVar variation 1697609 (VCV001697609.8), dbSNP rs2154551873, ClinGen allele CA2580093815.